The following is an entry in ClinVar:

ClinVar aggregate classification (germline): Uncertain significance (1 of 4 stars; one submission).

Submission:

GeneDx
Classification: Uncertain significance. Last evaluated: 2019-09-09. Review status: criteria provided, single submitter. Criteria: GeneDx Variant Classification Process June 2021. Collection method: clinical testing. Allele origin: germline. Affected: yes.
Comment: Not observed in large population cohorts (Lek et al., 2016); In silico analysis, which includes protein predictors and evolutionary conservation, supports a deleterious effect; Has not been previously published as pathogenic or benign to our knowledge

NM_018941.4(CLN8):c.348T>A (p.Phe116Leu)

Gene: CLN8 (CLN8 transmembrane ER and ERGIC protein; plus strand). Cytogenetic location: 8p23.3.
Variant type: single nucleotide variant.
Coding change: c.348T>A on transcript NM_018941.4 (MANE Select); coding-DNA position 348, T replaced by A.
Protein change: p.Phe116Leu; replaces phenylalanine 116 with leucine.
Molecular consequence: missense variant.
Genome position (GRCh38, 1-based): chr8:1,771,402, T>A. VCF-style: chr8-1771402-T-A. GRCh37 (hg19) VCF-style: chr8-1719568-T-A.
Other names: short protein forms F116L.
Identifiers: ClinVar variation 1312111 (VCV001312111.2), dbSNP rs1273179723, ClinGen allele CA369953379.
Genomic context (GRCh38, chr8:1,771,402, plus strand): 5'-GCGTGGCCAGCAGAACTGGTGCTGGTTTCACATCACGACAGCAACGGGATTCTTTTGCTT[T>A]GAAAATGTTGCAGTCCACCTGTCCAACTTGATCTTCCGGACATTTGACTTGTTTCTGGTT-3'
Protein context (NP_061764.2, residues 106-126): HITTATGFFC[Phe116Leu]ENVAVHLSNL